The following is an entry in ClinVar:

NM_152703.5(SAMD9L):c.3041A>C (p.Asn1014Thr)

Gene: SAMD9L (sterile alpha motif domain containing 9 like; minus strand). Cytogenetic location: 7q21.2.
Variant type: single nucleotide variant.
Coding change: c.3041A>C on transcript NM_152703.5 (MANE Select); coding-DNA position 3041, A replaced by C.
Protein change: p.Asn1014Thr; replaces asparagine 1014 with threonine.
Molecular consequence: missense variant.
Genome position (GRCh38, 1-based): chr7:93,132,931, T>G on the plus strand (A>C on the coding strand, the complement: SAMD9L is on the minus strand). VCF-style: chr7-93132931-T-G. GRCh37 (hg19) VCF-style: chr7-92762244-T-G.
Other names: c.3041A>C, p.Asn1014Thr (NM_001303496.3, NM_001303497.3, NM_001303498.3 and 5 more transcripts); short protein forms N1014T.
Identifiers: ClinVar variation 5028888 (VCV005028888.1).

ClinVar aggregate classification (germline): Uncertain significance (1 of 4 stars; one submission).

Conditions:
Inborn genetic diseases. Identifiers: MedGen C0950123, MeSH D030342.

Submission:

Ambry Genetics
Classification: Uncertain significance for Inborn genetic diseases. Last evaluated: 2026-07-13. Review status: criteria provided, single submitter. Criteria: Ambry Variant Classification Scheme 2023. Collection method: clinical testing. Allele origin: germline.
Comment: The p.N1014T variant (also known as c.3041A>C), located in coding exon 1 of the SAMD9L gene, results from an A to C substitution at nucleotide position 3041. The asparagine at codon 1014 is replaced by threonine, an amino acid with similar properties. This amino acid position is conserved. In addition, this alteration is predicted to be tolerated by in silico analysis. Based on the available evidence, the clinical significance of this variant remains unclear.